The following is an entry in ClinVar:

NM_004006.3(DMD):c.2623-11C>G

Gene: DMD (dystrophin; minus strand). Cytogenetic location: Xp21.1.
Variant type: single nucleotide variant.
Coding change: c.2623-11C>G on transcript NM_004006.3 (MANE Select); 11 bases into the intron before coding-DNA position 2623, C replaced by G.
Molecular consequence: intron variant.
Genome position (GRCh38, 1-based): chrX:32,485,110, G>C on the plus strand (C>G on the coding strand, the complement: DMD is on the minus strand). VCF-style: chrX-32485110-G-C. GRCh37 (hg19) VCF-style: chrX-32503227-G-C.
Other names: c.2599-11C>G (NM_000109.4); c.2611-11C>G (NM_004009.3); c.2254-11C>G (NM_004010.3).
Identifiers: ClinVar variation 94528 (VCV000094528.40), dbSNP rs1028360, ClinGen allele CA285548.
Genomic context (GRCh38, chrX:32,485,110, plus strand): 5'-TTTAATCGTTCAATTTGAGGTTGAAGATCTGATAGCCGGTTGACTTCATCCTGTGCCATA[G>C]AGTATGGAAAGTAAGTAACACGTTTACTTTGCATACATTACATTTTGCAAAAGAAGGTAT-3'

ClinVar aggregate classification (germline): Benign/Likely benign. Review status: criteria provided, multiple submitters, no conflicts (2 of 4 stars). 15 submissions from 15 submitters: Benign (10); Likely benign (1). 4 of the submissions do not count toward it. Last evaluated 2026-02-04.

Conditions:
Dystrophin deficiency.
Becker muscular dystrophy (BMD). Also called: MUSCULAR DYSTROPHY, PSEUDOHYPERTROPHIC PROGRESSIVE, BECKER TYPE; Becker Muscular Dystrophy (BMD). Identifiers: Orphanet 98895, MedGen C0917713, MONDO:0010311, OMIM 300376.
Cardiomyopathy (CMYO). Also called: Cardiomyopathies. Identifiers: Orphanet 167848, MedGen C0878544, MONDO:0004994, HP:0001638. Inheritance: Various modes of inheritance.
Duchenne muscular dystrophy (DMD). Also called: Duchenne Muscular Dystrophy (DMD); MUSCULAR DYSTROPHY, PSEUDOHYPERTROPHIC PROGRESSIVE, DUCHENNE TYPE. Identifiers: Orphanet 98896, MedGen C0013264, MONDO:0010679, OMIM 310200.
Dilated cardiomyopathy 3B (CMD3B). Also called: CMD3B: DMD-Related Dilated Cardiomyopathy; CARDIOMYOPATHY, DILATED, X-LINKED; DMD-Associated Dilated Cardiomyopathy. Identifiers: Orphanet 154, MedGen C3668940, MONDO:0010542, OMIM 302045.

Allele frequency attached by ClinVar (database versions not stated): ExAC 0.00906; TOPMed 0.02843; ESP Exome Variant Server 0.02964; gnomAD exomes 0.00745; gnomAD 0.02567 and 0.02419; 1000 Genomes Project 0.02861; 1000 Genomes Project 30x 0.03059.
gnomAD v4.1: 5,665 of 1,202,199 alleles (0.47%); highest among the groups gnomAD compares: African/African-American, 8.2%; 157 homozygotes.

Submissions (19):

Labcorp Genetics (formerly Invitae), Labcorp
Classification: Benign for Duchenne muscular dystrophy. Last evaluated: 2026-02-04. Review status: criteria provided, single submitter. Criteria: Invitae Variant Classification Sherloc (09022015). Collection method: clinical testing. Allele origin: germline.

ARUP Laboratories, Molecular Genetics and Genomics, ARUP Laboratories
Classification: Benign. Last evaluated: 2025-05-20. Review status: criteria provided, single submitter. Criteria: ARUP Molecular Germline Variant Investigation Process 2024. Collection method: clinical testing. Allele origin: germline.

Blueprint Genetics
Classification: Likely benign. Last evaluated: 2024-11-28. Review status: criteria provided, single submitter. Criteria: ACMG Guidelines, 2015. Collection method: clinical testing. Allele origin: germline.

Women's Health and Genetics/Laboratory Corporation of America, LabCorp
Classification: Benign. Last evaluated: 2019-04-07. Review status: criteria provided, single submitter. Criteria: LabCorp Variant Classification Summary - May 2015. Collection method: clinical testing. Allele origin: germline.
Comment: Variant summary: DMD c.2623-11C>G alters a non-conserved nucleotide located close to a canonical splice site and therefore could affect mRNA splicing, leading to a significantly altered protein sequence. 5/5 computational tools predict no significant impact on splicing in the canonical splice site. However, these predictions have yet to be confirmed by functional studies. The variant allele was found at a frequency of 0.0088 in 200127 control chromosomes, predominantly at a frequency of 0.085 within the African subpopulation in the gnomAD database, including 67 homozygotes. The observed variant frequency within African control individuals in the gnomAD database is approximately 9632 fold of the estimated maximal expected allele frequency for a pathogenic variant in DMD causing Dystrophinopathies phenotype (0.000008824), strongly suggesting that the variant is a benign polymorphism found primarily in populations of African origin. The variant, c.2623-11C>G has been reported in the literature in individuals affected with Dystrophinopathies (Flanigan_2009, Juan_Mateu_2015). However, these reports do not provide unequivocal conclusions about association of the variant with Dystrophinopathies. To our knowledge, no experimental evidence demonstrating an impact on protein function has been reported. Four clinical diagnostic laboratories have submitted clinical-significance assessments for this variant to ClinVar after 2014 without evidence for independent evaluation. All laboratories classified the variant as benign (X3)/likely benign (X1). Based on the evidence outlined above, the variant was classified as benign.

Illumina Laboratory Services, Illumina
Classification: Benign for Dilated cardiomyopathy 3B. Last evaluated: 2018-01-13. Review status: criteria provided, single submitter. Criteria: ICSL Variant Classification Criteria 13 December 2019. Collection method: clinical testing. Allele origin: germline.
Comment: This variant was observed in the ICSL laboratory as part of a predisposition screen in an ostensibly healthy population. It had not been previously curated by ICSL or reported in the Human Gene Mutation Database (HGMD: prior to June 1st, 2018), and was therefore a candidate for classification through an automated scoring system. Utilizing variant allele frequency, disease prevalence and penetrance estimates, and inheritance mode, an automated score was calculated to assess if this variant is too frequent to cause the disease. Based on the score and internal cut-off values, a variant classified as benign is not then subjected to further curation. The score for this variant resulted in a classification of benign for this disease.

Eurofins Ntd Llc (ga)
Classification: Benign. Last evaluated: 2015-12-16. Review status: criteria provided, single submitter. Criteria: EGL Classification Definitions 2015. Collection method: clinical testing. Allele origin: germline. Observed: 16 variant alleles, 9 heterozygotes, 2 homozygotes, 5 hemizygotes.

Center for Pediatric Genomic Medicine, Children's Mercy Hospital and Clinics
Classification: Benign. Last evaluated: 2015-08-26. Review status: criteria provided, single submitter. Criteria: ACMG Guidelines, 2015. Collection method: clinical testing. Allele origin: germline.

Laboratory for Molecular Medicine, Mass General Brigham Personalized Medicine
Classification: Benign. Last evaluated: 2015-01-13. Review status: criteria provided, single submitter. Criteria: LMM Criteria. Collection method: clinical testing. Allele origin: germline. Observed: 11 variant alleles.
Comment: c.2623-11C>G in intron 20 of DMD: This variant is not expected to have clinical significance because it has been identified in 8.0% (308/3833) of African Americ an chromosomes from a broad population by the NHLBI Exome Sequencing Project (dbSNP rs1028360).

GeneDx
Classification: Benign. Last evaluated: 2014-01-15. Review status: criteria provided, single submitter. Criteria: GeneDx Variant Classification (06012015). Collection method: clinical testing. Allele origin: germline. Affected: yes.
Comment: This variant is considered likely benign or benign based on one or more of the following criteria: it is a conservative change, it occurs at a poorly conserved position in the protein, it is predicted to be benign by multiple in silico algorithms, and/or has population frequency not consistent with disease.

Breakthrough Genomics
Classification: Benign. Review status: criteria provided, single submitter. Criteria: ACMG Guidelines, 2015. Collection method: not provided. Allele origin: germline. Inheritance: X-linked inheritance. Affected: yes.

PreventionGenetics, part of Exact Sciences
Classification: Benign. Review status: criteria provided, single submitter. Criteria: ACMG Guidelines, 2015. Collection method: clinical testing. Allele origin: germline.

Natera, Inc.
Classification: Benign for Becker muscular dystrophy; Cardiomyopathy; Duchenne muscular dystrophy; Dystrophin deficiency. Last evaluated: 2019-07-26. Review status: no assertion criteria provided. Collection method: clinical testing. Allele origin: germline. Not counted in ClinVar's aggregate classification.

Diagnostic Laboratory, Department of Genetics, University Medical Center Groningen
Classification: Likely benign. Review status: no assertion criteria provided. Collection method: clinical testing. Allele origin: germline. Affected: yes. Study: VKGL Data-share Consensus. Not counted in ClinVar's aggregate classification.

Dr. Peter K. Rogan Lab, Western University
No classification provided (evidence only). Condition: Sarcoma. Review status: no classification provided. Collection method: in vitro. Allele origin: not applicable. Functional consequence: retained intron. Not counted in ClinVar's aggregate classification.

Dr. Peter K. Rogan Lab, Western University
No classification provided (evidence only). Condition: Sarcoma. Review status: no classification provided. Collection method: in vitro. Allele origin: not applicable. Functional consequence: retained intron. Not counted in ClinVar's aggregate classification.

Dr. Peter K. Rogan Lab, Western University
No classification provided (evidence only). Condition: Gastric cancer. Review status: no classification provided. Collection method: in vitro. Allele origin: not applicable. Functional consequence: retained intron. Not counted in ClinVar's aggregate classification.

Dr. Peter K. Rogan Lab, Western University
No classification provided (evidence only). Condition: Uterine carcinosarcoma. Review status: no classification provided. Collection method: in vitro. Allele origin: not applicable. Functional consequence: retained intron. Not counted in ClinVar's aggregate classification.

Genome Diagnostics Laboratory, University Medical Center Utrecht
Classification: Benign. Review status: no assertion criteria provided. Collection method: clinical testing. Allele origin: germline. Affected: yes. Study: VKGL Data-share Consensus. Not counted in ClinVar's aggregate classification.

Laboratory of Diagnostic Genome Analysis, Leiden University Medical Center (LUMC)
Classification: Benign. Review status: no assertion criteria provided. Collection method: clinical testing. Allele origin: germline. Affected: yes. Study: VKGL Data-share Consensus. Not counted in ClinVar's aggregate classification.

Literature cited by the submitters: PubMed 19937601 (cited by Women's Health and Genetics/Laboratory Corporation of America, LabCorp); PubMed 26284620 (cited by Women's Health and Genetics/Laboratory Corporation of America, LabCorp).